The following is an entry in ClinVar:

ClinVar aggregate classification (germline): Uncertain significance (1 of 4 stars; one submission).

Conditions:
Rafiq syndrome (RAFQS). Identifiers: Orphanet 88616, MedGen C3280127, MONDO:0013624, OMIM 614202.

Allele frequency attached by ClinVar (database versions not stated): gnomAD 0.00003; ExAC 0.00005; TOPMed 0.00005; ESP Exome Variant Server 0.00008.

Submission:

Labcorp Genetics (formerly Invitae), Labcorp
Classification: Uncertain significance for Rafiq syndrome. Last evaluated: 2025-11-17. Review status: criteria provided, single submitter. Criteria: Invitae Variant Classification Sherloc (09022015). Collection method: clinical testing. Allele origin: germline.
Comment: This sequence change replaces alanine, which is neutral and non-polar, with valine, which is neutral and non-polar, at codon 211 of the MAN1B1 protein (p.Ala211Val). The frequency data for this variant in the population databases is considered unreliable, as metrics indicate poor data quality at this position in the gnomAD database. This variant has not been reported in the literature in individuals affected with MAN1B1-related conditions. ClinVar contains an entry for this variant (Variation ID: 2161430). An algorithm developed to predict the effect of missense changes on protein structure and function (PolyPhen-2) suggests that this variant is likely to be tolerated. In summary, the available evidence is currently insufficient to determine the role of this variant in disease. Therefore, it has been classified as a Variant of Uncertain Significance.

NM_016219.5(MAN1B1):c.632C>T (p.Ala211Val)

Gene: MAN1B1 (mannosidase alpha class 1B member 1; plus strand). Cytogenetic location: 9q34.3.
Variant type: single nucleotide variant.
Coding change: c.632C>T on transcript NM_016219.5 (MANE Select); coding-DNA position 632, C replaced by T.
Protein change: p.Ala211Val; replaces alanine 211 with valine.
Molecular consequence: missense variant. On other transcripts: non-coding transcript variant (2).
Genome position (GRCh38, 1-based): chr9:137,097,839, C>T. VCF-style: chr9-137097839-C-T. GRCh37 (hg19) VCF-style: chr9-139992291-C-T.
Other names: c.524C>T, p.Ala175Val (NM_007230.1); short protein forms A175V, A211V.
Identifiers: ClinVar variation 2161430 (VCV002161430.3), dbSNP rs145872821, ClinGen allele CA5358720.